The following is an entry in ClinVar:

NM_000094.4(COL7A1):c.1902C>T (p.Gly634=)

Gene: COL7A1 (collagen type VII alpha 1 chain; minus strand). Cytogenetic location: 3p21.31.
Variant type: single nucleotide variant.
Coding change: c.1902C>T on transcript NM_000094.4 (MANE Select); coding-DNA position 1902, C replaced by T.
Protein change: p.Gly634=; no amino-acid change (glycine 634 retained).
Molecular consequence: synonymous variant.
Genome position (GRCh38, 1-based): chr3:48,590,463, G>A on the plus strand (C>T on the coding strand, the complement: COL7A1 is on the minus strand). VCF-style: chr3-48590463-G-A. GRCh37 (hg19) VCF-style: chr3-48627896-G-A.
Identifiers: ClinVar variation 2137429 (VCV002137429.1), dbSNP rs777499414, ClinGen allele CA2381080.

ClinVar aggregate classification (germline): Uncertain significance (1 of 4 stars; one submission).

Allele frequency attached by ClinVar (database versions not stated): gnomAD exomes below 0.00001; ExAC 0.00001; gnomAD 0.00001.
gnomAD v4.1: 2 of 1,614,006 alleles (0.00012%); highest among the groups gnomAD compares: Admixed American, 0.0033%; no homozygotes.

Submission:

Labcorp Genetics (formerly Invitae), Labcorp
Classification: Uncertain significance. Last evaluated: 2022-04-29. Review status: criteria provided, single submitter. Criteria: Invitae Variant Classification Sherloc (09022015). Collection method: clinical testing. Allele origin: germline.
Comment: This sequence change affects codon 634 of the COL7A1 mRNA. It is a 'silent' change, meaning that it does not change the encoded amino acid sequence of the COL7A1 protein. This variant is present in population databases (rs777499414, gnomAD 0.003%). This variant has not been reported in the literature in individuals affected with COL7A1-related conditions. Algorithms developed to predict the effect of sequence changes on RNA splicing suggest that this variant may disrupt the consensus splice site. In summary, the available evidence is currently insufficient to determine the role of this variant in disease. Therefore, it has been classified as a Variant of Uncertain Significance.